The following is an entry in ClinVar:

NM_001379500.1(COL18A1):c.1747G>A (p.Gly583Ser)

Gene: COL18A1 (collagen type XVIII alpha 1 chain; plus strand). Cytogenetic location: 21q22.3.
Variant type: single nucleotide variant.
Coding change: c.1747G>A on transcript NM_001379500.1 (MANE Select); coding-DNA position 1747, G replaced by A.
Protein change: p.Gly583Ser; replaces glycine 583 with serine.
Molecular consequence: missense variant.
Genome position (GRCh38, 1-based): chr21:45,486,906, G>A. VCF-style: chr21-45486906-G-A. GRCh37 (hg19) VCF-style: chr21-46906820-G-A.
Other names: c.2287G>A, p.Gly763Ser (NM_030582.4); c.2992G>A, p.Gly998Ser (NM_130444.3); short protein forms G583S, G763S, G998S.
Identifiers: ClinVar variation 1517147 (VCV001517147.1), dbSNP rs1053583385, ClinGen allele CA410496239.
Genomic context (GRCh38, chr21:45,486,906, plus strand): 5'-CCTCACCCCACGCAGGGGAGCAAGGGAGCCCCCGGTCCTGCTGGTGCTCGTGGGGAGAGC[G>A]GCCTGGCAGGAGCCCCCGGACCTGCTGGACCACCAGGCCCCCCTGGGCCCCCTGGGCCCC-3'
Protein context (NP_001366429.1, residues 573-593): PGPAGARGES[Gly583Ser]LAGAPGPAGP

ClinVar aggregate classification (germline): Uncertain significance (1 of 4 stars; one submission).

gnomAD v4.1: 15 of 1,523,056 alleles (0.00098%); highest among the groups gnomAD compares: Admixed American, 0.0041%; no homozygotes.

Submission:

Labcorp Genetics (formerly Invitae), Labcorp
Classification: Uncertain significance. Last evaluated: 2021-09-03. Review status: criteria provided, single submitter. Criteria: Invitae Variant Classification Sherloc (09022015). Collection method: clinical testing. Allele origin: germline.
Comment: This sequence change replaces glycine with serine at codon 583 of the COL18A1 protein (p.Gly583Ser). There is a small physicochemical difference between glycine and serine. The frequency data for this variant in the population databases is considered unreliable, as metrics indicate insufficient coverage at this position in the ExAC database. This variant has not been reported in the literature in individuals affected with COL18A1-related conditions. Experimental studies and prediction algorithms are not available or were not evaluated, and the functional significance of this variant is currently unknown. In summary, the available evidence is currently insufficient to determine the role of this variant in disease. Therefore, it has been classified as a Variant of Uncertain Significance.